The following is an entry in ClinVar:

ClinVar aggregate classification (germline): Uncertain significance (1 of 4 stars; one submission).

Conditions:
Saldino-Mainzer syndrome (SRTD9). Also called: Renal dysplasia, retinal pigmentary dystrophy, cerebellar ataxia and skeletal dysplasia; CONORENAL SYNDROME; SHORT-RIB THORACIC DYSPLASIA 9 WITHOUT POLYDACTYLY; short-rib thoracic dysplasia 9 with or without polydactyly. Identifiers: Orphanet 140969, MedGen C1849437, MONDO:0009964, OMIM 266920.

Submission:

Labcorp Genetics (formerly Invitae), Labcorp
Classification: Uncertain significance for Saldino-Mainzer syndrome. Last evaluated: 2022-01-19. Review status: criteria provided, single submitter. Criteria: Invitae Variant Classification Sherloc (09022015). Collection method: clinical testing. Allele origin: germline.
Comment: In summary, the available evidence is currently insufficient to determine the role of this variant in disease. Therefore, it has been classified as a Variant of Uncertain Significance. Experimental studies and prediction algorithms are not available or were not evaluated, and the functional significance of this variant is currently unknown. This variant has not been reported in the literature in individuals affected with IFT140-related conditions. This variant is a gross deletion of the genomic region encompassing exon(s) 5-7 of the IFT140 gene. This variant would be expected to be in-frame, preserving the integrity of the reading frame.

NC_000016.9:g.(?_1639586)_(1642609_?)del

Gene: IFT140 (intraflagellar transport 140; minus strand). Cytogenetic location: 16p13.3.
Variant type: Deletion.
Identifiers: ClinVar variation 1449533 (VCV001449533.5).